The following is an entry in ClinVar:

ClinVar aggregate classification (germline): Uncertain significance (1 of 4 stars; one submission).

Submission:

Labcorp Genetics (formerly Invitae), Labcorp
Classification: Uncertain significance. Last evaluated: 2022-01-15. Review status: criteria provided, single submitter. Criteria: Invitae Variant Classification Sherloc (09022015). Collection method: clinical testing. Allele origin: germline.
Comment: Algorithms developed to predict the effect of missense changes on protein structure and function are either unavailable or do not agree on the potential impact of this missense change (SIFT: "Deleterious"; PolyPhen-2: "Benign"; Align-GVGD: "Class C15"). This variant has not been reported in the literature in individuals affected with MCM4-related conditions. In summary, the available evidence is currently insufficient to determine the role of this variant in disease. Therefore, it has been classified as a Variant of Uncertain Significance. This sequence change replaces arginine, which is basic and polar, with serine, which is neutral and polar, at codon 404 of the MCM4 protein (p.Arg404Ser). This variant is not present in population databases (gnomAD no frequency).

NM_182746.3(MCM4):c.1212A>C (p.Arg404Ser)

Gene: MCM4 (minichromosome maintenance complex component 4; plus strand). Cytogenetic location: 8q11.21.
Variant type: single nucleotide variant.
Coding change: c.1212A>C on transcript NM_182746.3 (MANE Select); coding-DNA position 1212, A replaced by C.
Protein change: p.Arg404Ser; replaces arginine 404 with serine.
Molecular consequence: missense variant.
Genome position (GRCh38, 1-based): chr8:47,969,835, A>C. VCF-style: chr8-47969835-A-C. GRCh37 (hg19) VCF-style: chr8-48882395-A-C.
Other names: c.1212A>C, p.Arg404Ser (NM_005914.4); short protein forms R404S.
Identifiers: ClinVar variation 1414645 (VCV001414645.6), dbSNP rs2154505294, ClinGen allele CA371151003.